The following is an entry in ClinVar:

ClinVar aggregate classification (germline): Uncertain significance. Review status: criteria provided, multiple submitters, no conflicts (2 of 4 stars). 3 submissions from 3 submitters: Uncertain significance (3). Last evaluated 2025-06-02.

Conditions:
Cardiovascular phenotype. Identifiers: MedGen CN230736.
Long QT syndrome (LQTS). Identifiers: MedGen C0023976, MeSH D008133, MONDO:0002442. Disease mechanism: loss of function. Inheritance: Various modes of inheritance.
Long QT syndrome 2 (LQT2). Identifiers: Orphanet 101016, Orphanet 768, MedGen C3150943, MONDO:0013367, OMIM 613688.

gnomAD v4.1: 45 of 1,405,146 alleles (0.0032%); highest among the groups gnomAD compares: Non-Finnish European, 0.0041%; no homozygotes.

Submissions (3):

Labcorp Genetics (formerly Invitae), Labcorp
Classification: Uncertain significance for Long QT syndrome. Last evaluated: 2025-06-02. Review status: criteria provided, single submitter. Criteria: Invitae Variant Classification Sherloc (09022015). Collection method: clinical testing. Allele origin: germline.
Comment: This sequence change replaces alanine, which is neutral and non-polar, with glycine, which is neutral and non-polar, at codon 244 of the KCNH2 protein (p.Ala244Gly). The frequency data for this variant in the population databases is considered unreliable, as metrics indicate poor data quality at this position in the gnomAD database. This variant has not been reported in the literature in individuals affected with KCNH2-related conditions. ClinVar contains an entry for this variant (Variation ID: 1511646). An algorithm developed to predict the effect of missense changes on protein structure and function (PolyPhen-2) suggests that this variant is likely to be tolerated. In summary, the available evidence is currently insufficient to determine the role of this variant in disease. Therefore, it has been classified as a Variant of Uncertain Significance.

Ambry Genetics
Classification: Uncertain significance for Cardiovascular phenotype. Last evaluated: 2024-04-30. Review status: criteria provided, single submitter. Criteria: Ambry Variant Classification Scheme 2023. Collection method: clinical testing. Allele origin: germline.
Comment: The p.A244G variant (also known as c.731C>G), located in coding exon 4 of the KCNH2 gene, results from a C to G substitution at nucleotide position 731. The alanine at codon 244 is replaced by glycine, an amino acid with similar properties, and is located in the N-terminal cytoplasmic region. This amino acid position is not well conserved in available vertebrate species. In addition, this alteration is predicted to be tolerated by in silico analysis. Since supporting evidence is limited at this time, the clinical significance of this alteration remains unclear.

Victorian Clinical Genetics Services, Murdoch Childrens Research Institute
Classification: Uncertain significance for Long QT syndrome 2. Last evaluated: 2022-09-02. Review status: criteria provided, single submitter. Criteria: ACMG Guidelines, 2015. Collection method: clinical testing. Allele origin: germline. Inheritance: Autosomal dominant inheritance. Affected: yes.
Comment: Based on the classification scheme VCGS_Germline_v1.3.4, this variant is classified as VUS-3B. Following criteria are met: 0103 - Dominant negative and loss of function are known mechanisms of disease in this gene and are associated with long QT syndrome 2 (MIM#613688). Gain of function is also a known mechanism, associated with short QT syndrome 1 (MIM#609620) (OMIM, PMIDs: 10753933, 21777565). (I) 0107 - This gene is associated with autosomal dominant disease. (I) 0112 - The condition associated with this gene has incomplete penetrance (PMID: 20301308). (I) 0200 - Variant is predicted to result in a missense amino acid change from alanine to glycine. (I) 0251 - This variant is heterozygous. (I) 0302 - Variant is present in gnomAD (v2 & v3) <0.001 for a dominant condition (5 heterozygotes, 0 homozygotes). (SP) 0309 - Multiple alternative amino acid changes at the same position have been observed in gnomAD (v2 & v3) (highest allele count: 4 heterozygotes, 0 homozygotes). (I) 0503 - Missense variant consistently predicted to be tolerated by multiple in silico tools or not conserved in placental mammals with a minor amino acid change. (SB) 0604 - Variant is not located in an established domain, motif, hotspot or informative constraint region. (I) 0710 - Other missense variants comparable to the one identified in this case have inconclusive previous evidence for pathogenicity. A major amino acid change, p.(Ala244Glu) and a minor amino acid change, p.(Ala244Val) have been reported as VUS by a clinical testing laboratory, however it is unclear whether the variants were identified in affected individuals (ClinVar). (I) 0809 - Previous evidence of pathogenicity for this variant is inconclusive. It has been reported as a VUS by a clinical testing laboratory, however it is unclear whether it was identified in affected individuals (ClinVar). (I) 0905 - No published segregation evidence has been identified for this variant. (I) 1007 - No published functional evidence has been identified for this variant. (I) 1208 - Inheritance information for this variant is not currently available in this individual. (I) Legend: (SP) - Supporting pathogenic, (I) - Information, (SB) - Supporting benign

Literature cited by the submitters: PubMed 10753933 (cited by Victorian Clinical Genetics Services, Murdoch Childrens Research Institute); PubMed 20301308 (cited by Victorian Clinical Genetics Services, Murdoch Childrens Research Institute); PubMed 21777565 (cited by Victorian Clinical Genetics Services, Murdoch Childrens Research Institute).

NM_000238.4(KCNH2):c.731C>G (p.Ala244Gly)

Gene: KCNH2 (potassium voltage-gated channel subfamily H member 2; minus strand). Cytogenetic location: 7q36.1.
Variant type: single nucleotide variant.
Coding change: c.731C>G on transcript NM_000238.4 (MANE Select); coding-DNA position 731, C replaced by G.
Protein change: p.Ala244Gly; replaces alanine 244 with glycine.
Molecular consequence: missense variant.
Genome position (GRCh38, 1-based): chr7:150,958,244, G>C on the plus strand (C>G on the coding strand, the complement: KCNH2 is on the minus strand). VCF-style: chr7-150958244-G-C. GRCh37 (hg19) VCF-style: chr7-150655332-G-C.
Other names: c.443C>G, p.Ala148Gly (NM_001406753.1, NM_001406756.1); c.554C>G, p.Ala185Gly (NM_001406755.1); c.431C>G, p.Ala144Gly (NM_001406757.1); c.731C>G, p.Ala244Gly (NM_172056.3); short protein forms A244G, A185G, A144G, A148G.
Identifiers: ClinVar variation 1511646 (VCV001511646.10), dbSNP rs748762712, ClinGen allele CA040295.